The following is an entry in ClinVar:

ClinVar aggregate classification (germline): Uncertain significance (1 of 4 stars; one submission).

Conditions:
Progressive encephalopathy with leukodystrophy due to DECR deficiency. Identifiers: Orphanet 431361, MedGen C1857252, MONDO:0014464, OMIM 616034.

Submission:

Labcorp Genetics (formerly Invitae), Labcorp
Classification: Uncertain significance for Progressive encephalopathy with leukodystrophy due to DECR deficiency. Last evaluated: 2024-12-23. Review status: criteria provided, single submitter. Criteria: Invitae Variant Classification Sherloc (09022015). Collection method: clinical testing. Allele origin: germline.
Comment: This sequence change replaces proline, which is neutral and non-polar, with serine, which is neutral and polar, at codon 68 of the NADK2 protein (p.Pro68Ser). The frequency data for this variant in the population databases is considered unreliable, as metrics indicate poor data quality at this position in the gnomAD database. This variant has not been reported in the literature in individuals affected with NADK2-related conditions. Invitae Evidence Modeling of protein sequence and biophysical properties (such as structural, functional, and spatial information, amino acid conservation, physicochemical variation, residue mobility, and thermodynamic stability) indicates that this missense variant is expected to disrupt NADK2 protein function with a positive predictive value of 80%. In summary, the available evidence is currently insufficient to determine the role of this variant in disease. Therefore, it has been classified as a Variant of Uncertain Significance.

NM_001085411.3(NADK2):c.202C>T (p.Pro68Ser)

Genes: NADK2 (NAD kinase 2, mitochondrial; minus strand), LOC129993801 (ATAC-STARR-seq lymphoblastoid silent region 15972; plus strand). Cytogenetic location: 5p13.2.
Variant type: single nucleotide variant.
Coding change: c.202C>T on transcript NM_001085411.3 (MANE Select); coding-DNA position 202, C replaced by T.
Protein change: p.Pro68Ser; replaces proline 68 with serine.
Molecular consequence: missense variant. On other transcripts: intron variant (2).
Genome position (GRCh38, 1-based): chr5:36,241,597, G>A on the plus strand (C>T on the coding strand, the complement: NADK2 is on the minus strand). VCF-style: chr5-36241597-G-A. GRCh37 (hg19) VCF-style: chr5-36241699-G-A.
Other names: c.-190+499C>T (NM_153013.5, NM_001287341.2); short protein forms P68S.
Identifiers: ClinVar variation 3683180 (VCV003683180.2).